The following is an entry in ClinVar:

NM_001386298.1(CIC):c.4357G>A (p.Ala1453Thr)

Gene: CIC (capicua transcriptional repressor; plus strand). Cytogenetic location: 19q13.2.
Variant type: single nucleotide variant.
Coding change: c.4357G>A on transcript NM_001386298.1 (MANE Select); coding-DNA position 4357, G replaced by A.
Protein change: p.Ala1453Thr; replaces alanine 1453 with threonine.
Molecular consequence: missense variant.
Genome position (GRCh38, 1-based): chr19:42,290,398, G>A. VCF-style: chr19-42290398-G-A. GRCh37 (hg19) VCF-style: chr19-42794550-G-A.
Other names: c.4357G>A, p.Ala1453Thr (NM_001304815.2, NM_001379480.1, NM_001379482.1); c.1630G>A, p.Ala544Thr (NM_001379484.1, NM_001379485.1, NM_015125.5); short protein forms A1453T, A544T.
Identifiers: ClinVar variation 3768430 (VCV003768430.1).

ClinVar aggregate classification (germline): Uncertain significance (1 of 4 stars; one submission).

gnomAD v4.1: 7 of 1,613,868 alleles (0.00043%); highest among the groups gnomAD compares: African/African-American, 0.0094%; no homozygotes.

Submission:

Women's Health and Genetics/Laboratory Corporation of America, LabCorp
Classification: Uncertain significance. Last evaluated: 2024-12-24. Review status: criteria provided, single submitter. Criteria: LabCorp Variant Classification Summary - May 2015. Collection method: clinical testing. Allele origin: germline.
Comment: Variant summary: CIC c.1630G>A (p.Ala544Thr) results in a non-conservative amino acid change in the encoded protein sequence. Four of five in-silico tools predict a benign effect of the variant on protein function. The variant allele was found at a frequency of 8e-06 in 251392 control chromosomes. The available data on variant occurrences in the general population are insufficient to allow any conclusion about variant significance. To our knowledge, no occurrence of c.1630G>A in individuals affected with Mental Retardation, Autosomal Dominant 45 and no experimental evidence demonstrating its impact on protein function have been reported. No submitters have cited clinical-significance assessments for this variant to ClinVar. Based on the evidence outlined above, the variant was classified as uncertain significance.